The following is an entry in ClinVar:

NM_017780.4(CHD7):c.4318C>T (p.Gln1440Ter)

Gene: CHD7 (chromodomain helicase DNA binding protein 7; plus strand). Cytogenetic location: 8q12.2.
Variant type: single nucleotide variant.
Coding change: c.4318C>T on transcript NM_017780.4 (MANE Select); coding-DNA position 4318, C replaced by T.
Protein change: p.Gln1440Ter; replaces glutamine 1440 with a stop codon.
Molecular consequence: nonsense. On other transcripts: intron variant (1).
Genome position (GRCh38, 1-based): chr8:60,837,800, C>T. VCF-style: chr8-60837800-C-T. GRCh37 (hg19) VCF-style: chr8-61750359-C-T.
Other names: c.4318C>T (LRG_176t1); c.1717-24429C>T (NM_001316690.1); short protein forms Q1440*.
Identifiers: ClinVar variation 158294 (VCV000158294.15), dbSNP rs587783440, ClinGen allele CA271301.

ClinVar aggregate classification (germline): Pathogenic. Review status: criteria provided, multiple submitters, no conflicts (2 of 4 stars). 2 submissions from 2 submitters: Pathogenic (2). Last evaluated 2022-06-04.

Conditions:
CHARGE syndrome (CHARGE). Also called: CHARGE ASSOCIATION--COLOBOMA, HEART ANOMALY, CHOANAL ATRESIA, RETARDATION, GENITAL AND EAR ANOMALIES; Hittner Hirsch Kreh syndrome; Coloboma, heart anomaly, choanal atresia, retardation, genital and ear anomalies; CHARGE association; Hall-Hittner syndrome. Identifiers: Orphanet 138, MedGen C0265354, MONDO:0008965.

Submissions (2):

Labcorp Genetics (formerly Invitae), Labcorp
Classification: Pathogenic for CHARGE syndrome. Last evaluated: 2022-06-04. Review status: criteria provided, single submitter. Criteria: Invitae Variant Classification Sherloc (09022015). Collection method: clinical testing. Allele origin: germline.
Comment: For these reasons, this variant has been classified as Pathogenic. Algorithms developed to predict the effect of sequence changes on RNA splicing suggest that this variant may disrupt the consensus splice site. ClinVar contains an entry for this variant (Variation ID: 158294). This premature translational stop signal has been observed in individual(s) with CHARGE syndrome (PMID: 21158681). This variant is not present in population databases (gnomAD no frequency). This sequence change creates a premature translational stop signal (p.Gln1440*) in the CHD7 gene. It is expected to result in an absent or disrupted protein product. Loss-of-function variants in CHD7 are known to be pathogenic (PMID: 22461308, 25077900).

Genetic Services Laboratory, University of Chicago
Classification: Pathogenic for CHARGE syndrome. Last evaluated: 2013-02-08. Review status: criteria provided, single submitter. Criteria: ACMG Guidelines, 2007. Collection method: clinical testing. Allele origin: germline. Inheritance: Autosomal dominant inheritance. Affected: yes.

Literature cited by the submitters: PubMed 21158681 (cited by Labcorp Genetics (formerly Invitae), Labcorp); PubMed 22461308 (cited by Labcorp Genetics (formerly Invitae), Labcorp); PubMed 25077900 (cited by Labcorp Genetics (formerly Invitae), Labcorp).